The following is an entry in ClinVar:

NM_000535.7(PMS2):c.752_757delinsCGTGTGTT (p.Val251fs)

Gene: PMS2 (PMS1 homolog 2, mismatch repair system component; minus strand). Cytogenetic location: 7p22.1.
Variant type: Indel.
Coding change: c.752_757delinsCGTGTGTT on transcript NM_000535.7 (MANE Select); coding-DNA positions 752 to 757, TGTGTG replaced by CGTGTGTT.
Protein change: p.Val251fs; shifts the reading frame from valine 251.
Molecular consequence: frameshift variant. On other transcripts: 5 prime UTR variant (2), non-coding transcript variant (1).
Genome position (GRCh38, 1-based): chr7:5,997,372-5,997,377, CACACA replaced by AACACACG on the plus strand (TGTGTG replaced by CGTGTGTT on the coding strand, the reverse complement: PMS2 is on the minus strand). VCF-style: chr7-5997372-CACACA-AACACACG. GRCh37 (hg19) VCF-style: chr7-6037003-CACACA-AACACACG.
Other names: c.347_352delinsCGTGTGTT, p.Val116fs (NM_001322003.2, NM_001322004.2, NM_001322005.2 and 2 more transcripts); c.752_757delinsCGTGTGTT, p.Val251fs (NM_001322006.2, NM_001322014.2); c.434_439delinsCGTGTGTT, p.Val145fs (NM_001322007.2, NM_001322008.2); c.-182_-177delinsCGTGTGTT (NM_001322011.2, NM_001322012.2); c.179_184delinsCGTGTGTT, p.Val60fs (NM_001322013.2); c.443_448delinsCGTGTGTT, p.Val148fs (NM_001322015.2); short protein forms V116fs, V251fs, V60fs, V148fs, V145fs.
Identifiers: ClinVar variation 827099 (VCV000827099.4), dbSNP rs1583374436, ClinGen allele CA915944829.
Genomic context (GRCh38, chr7:5,997,372, plus strand): 5'-AGCAATCTACTTACTAAAAAAGATTATGCAGAGCATCGGAACAGCTCAAACCGTACTCTT[CACACA>AACACACG]CGGAGTCACTAGGGGGCAGCTGAACAAAAGGAATGAGGCTTTGCAACTGAAAAAAAAAAA-3'

ClinVar aggregate classification (germline): Pathogenic (1 of 4 stars; one submission).

Conditions:
Hereditary cancer-predisposing syndrome. Also called: Neoplastic Syndromes, Hereditary; Tumor predisposition; Hereditary neoplastic syndrome; Hereditary Cancer Syndrome. Identifiers: Orphanet 140162, MedGen C0027672, MeSH D009386, MONDO:0015356.

Submission:

Ambry Genetics
Classification: Pathogenic for Hereditary cancer-predisposing syndrome. Last evaluated: 2019-07-09. Review status: criteria provided, single submitter. Criteria: Ambry Variant Classification Scheme 2023. Collection method: clinical testing. Allele origin: germline.
Comment: The c.752_757delTGTGTGinsCGTGTGTT pathogenic mutation, located in coding exon 7 of the PMS2 gene, results from the deletion of 6 nucleotides and insertion of 8 nucleotides causing a translational frameshift with a predicted alternate stop codon (p.V251Afs*8). This alteration is expected to result in loss of function by premature protein truncation or nonsense-mediated mRNA decay. As such, this alteration is interpreted as a disease-causing mutation.